The following is an entry in ClinVar:

ClinVar aggregate classification (germline): Likely benign. Review status: criteria provided, multiple submitters, no conflicts (2 of 4 stars). 4 submissions from 4 submitters: Likely benign (4). Last evaluated 2025-09-16.

Conditions:
IGHMBP2-related disorder. Also called: IGHMBP2-related condition; IGHMBP2-related disorders.
Inborn genetic diseases. Identifiers: MedGen C0950123, MeSH D030342.
Charcot-Marie-Tooth disease axonal type 2S. Also called: CHARCOT-MARIE-TOOTH DISEASE, AXONAL, AUTOSOMAL RECESSIVE, TYPE 2S; CHARCOT-MARIE-TOOTH NEUROPATHY, TYPE 2S. Identifiers: Orphanet 443073, MedGen C4015349, MONDO:0014511, OMIM 616155.
Autosomal recessive distal spinal muscular atrophy 1. Also called: HMN VI; SPINAL MUSCULAR ATROPHY, DIAPHRAGMATIC; Spinal muscular atrophy with respiratory distress 1; NEURONOPATHY, SEVERE INFANTILE AXONAL, WITH RESPIRATORY FAILURE; SEVERE INFANTILE AXONAL NEUROPATHY WITH RESPIRATORY FAILURE; NEURONOPATHY, DISTAL HEREDITARY MOTOR, HARDING TYPE VI. Identifiers: Orphanet 98920, MedGen C1858517, MONDO:0011436, OMIM 604320.

Allele frequency attached by ClinVar (database versions not stated): TOPMed 0.00005.
gnomAD v4.1: 2 of 1,592,922 alleles (0.00013%); highest among the groups gnomAD compares: African/African-American, 0.0027%; no homozygotes.

Submissions (4):

PreventionGenetics, part of Exact Sciences
Classification: Likely benign for IGHMBP2-related condition. Last evaluated: 2025-09-16. Review status: criteria provided, single submitter. Criteria: ACMG Guidelines, 2015. Collection method: clinical testing. Allele origin: germline.
Comment: This variant is classified as likely benign based on ACMG/AMP sequence variant interpretation guidelines (Richards et al. 2015 PMID: 25741868, with internal and published modifications).

Labcorp Genetics (formerly Invitae), Labcorp
Classification: Likely benign for Autosomal recessive distal spinal muscular atrophy 1; Charcot-Marie-Tooth disease axonal type 2S. Last evaluated: 2024-02-25. Review status: criteria provided, single submitter. Criteria: Invitae Variant Classification Sherloc (09022015). Collection method: clinical testing. Allele origin: germline.

Ambry Genetics
Classification: Likely benign for Inborn genetic diseases. Last evaluated: 2019-07-11. Review status: criteria provided, single submitter. Criteria: Ambry Variant Classification Scheme 2023. Collection method: clinical testing. Allele origin: germline.

GeneDx
Classification: Likely benign. Last evaluated: 2017-06-02. Review status: criteria provided, single submitter. Criteria: GeneDx Variant Classification (06012015). Collection method: clinical testing. Allele origin: germline. Affected: yes.
Comment: This variant is considered likely benign or benign based on one or more of the following criteria: it is a conservative change, it occurs at a poorly conserved position in the protein, it is predicted to be benign by multiple in silico algorithms, and/or has population frequency not consistent with disease.

NM_002180.3(IGHMBP2):c.1524G>C (p.Ser508=)

Gene: IGHMBP2 (immunoglobulin mu DNA binding protein 2; plus strand). Cytogenetic location: 11q13.3.
Variant type: single nucleotide variant.
Coding change: c.1524G>C on transcript NM_002180.3 (MANE Select); coding-DNA position 1524, G replaced by C.
Protein change: p.Ser508=; no amino-acid change (serine 508 retained).
Molecular consequence: synonymous variant.
Genome position (GRCh38, 1-based): chr11:68,933,900, G>C. VCF-style: chr11-68933900-G-C. GRCh37 (hg19) VCF-style: chr11-68701368-G-C.
Identifiers: ClinVar variation 517860 (VCV000517860.12), dbSNP rs747627986, ClinGen allele CA6153676.
Genomic context (GRCh38, chr11:68,933,900, plus strand): 5'-GCTCTTGGTGGACACCGCCGGCTGCGGGCTGTTTGAGCTGGAGGAGGAGGACGAACAGTC[G>C]AAAGGGAACCCTGGTGAGCTTGCTTGCAGATGGCCAGCTTTTTTGTTTAAACATACCTCC-3'
Protein context (NP_002171.2, residues 498-518): LFELEEEDEQ[Ser508=]KGNPGEVRLV